The following is an entry in ClinVar:

ClinVar aggregate classification (germline): Uncertain significance. Review status: criteria provided, multiple submitters, no conflicts (2 of 4 stars). 3 submissions from 3 submitters: Uncertain significance (2). 1 of the submissions does not count toward it. Last evaluated 2022-01-07.

Conditions:
Hemochromatosis type 2A (HFE2A). Also called: HJV (HFE2)-Related Juvenile Hemochromatosis; Adult-Onset Hemochromatosis. Identifiers: Orphanet 79230, MedGen C1865614, MONDO:0011216, OMIM 602390.

Allele frequency attached by ClinVar (database versions not stated): gnomAD exomes 0.00005 and 0.00008; ExAC 0.00007; gnomAD 0.00007 and 0.00008; TOPMed 0.00010; ESP Exome Variant Server 0.00015.

Submissions (3):

Labcorp Genetics (formerly Invitae), Labcorp
Classification: Uncertain significance. Last evaluated: 2022-01-07. Review status: criteria provided, single submitter. Criteria: Invitae Variant Classification Sherloc (09022015). Collection method: clinical testing. Allele origin: germline.
Comment: This sequence change replaces arginine, which is basic and polar, with glutamine, which is neutral and polar, at codon 335 of the HJV protein (p.Arg335Gln). This variant is present in population databases (rs377109351, gnomAD 0.01%). This missense change has been observed in individual(s) with iron overload (PMID: 15254010). ClinVar contains an entry for this variant (Variation ID: 664777). Algorithms developed to predict the effect of missense changes on protein structure and function are either unavailable or do not agree on the potential impact of this missense change (SIFT: "Tolerated"; PolyPhen-2: "Possibly Damaging"; Align-GVGD: "Class C0"). Experimental studies have shown that this missense change does not substantially affect HJV function (PMID: 17938254, 18976966). In summary, the available evidence is currently insufficient to determine the role of this variant in disease. Therefore, it has been classified as a Variant of Uncertain Significance.

Illumina Laboratory Services, Illumina
Classification: Uncertain significance for Hemochromatosis type 2A. Last evaluated: 2017-08-17. Review status: criteria provided, single submitter. Criteria: ICSL Variant Classification Criteria 13 December 2019. Collection method: clinical testing. Allele origin: germline.
Comment: This variant was observed as part of a predisposition screen in an ostensibly healthy population. A literature search was performed for the gene, cDNA change, and amino acid change (where applicable). Publications were found based on this search. However, the evidence from the literature, in combination with allele frequency data from public databases where available, was not sufficient to rule this variant in or out of causing disease. Therefore, this variant is classified as a variant of unknown significance.

Natera, Inc.
Classification: Uncertain significance for Hemochromatosis type 2A. Last evaluated: 2020-01-20. Review status: no assertion criteria provided. Collection method: clinical testing. Allele origin: germline. Not counted in ClinVar's aggregate classification.

Literature cited by the submitters: PubMed 15254010 (cited by Labcorp Genetics (formerly Invitae), Labcorp and Illumina Laboratory Services, Illumina); PubMed 17938254 (cited by Labcorp Genetics (formerly Invitae), Labcorp and Illumina Laboratory Services, Illumina); PubMed 18976966 (cited by Labcorp Genetics (formerly Invitae), Labcorp); PubMed 15775751 (cited by Illumina Laboratory Services, Illumina); PubMed 21901660 (cited by Illumina Laboratory Services, Illumina); PubMed 19907145 (cited by Illumina Laboratory Services, Illumina).

NM_213653.4(HJV):c.1004G>A (p.Arg335Gln)

Gene: HJV (hemojuvelin BMP co-receptor; minus strand). Cytogenetic location: 1q21.1.
Variant type: single nucleotide variant.
Coding change: c.1004G>A on transcript NM_213653.4 (MANE Select); coding-DNA position 1004, G replaced by A.
Protein change: p.Arg335Gln; replaces arginine 335 with glutamine.
Molecular consequence: missense variant.
Genome position (GRCh38, 1-based): chr1:146,018,354, C>T on the plus strand (G>A on the coding strand, the complement: HJV is on the minus strand). VCF-style: chr1-146018354-C-T. GRCh37 (hg19) VCF-style: chr1-145416659-G-A.
Other names: c.326G>A, p.Arg109Gln (NM_001316767.2, NM_202004.4, NM_213652.4); c.1004G>A, p.Arg335Gln (NM_001379352.1); c.665G>A, p.Arg222Gln (NM_145277.5); short protein forms R222Q, R335Q, R109Q.
Identifiers: ClinVar variation 664777 (VCV000664777.9), dbSNP rs377109351, ClinGen allele CA1053945.